The following is an entry in ClinVar:

NM_004369.4(COL6A3):c.5459T>C (p.Met1820Thr)

Gene: COL6A3 (collagen type VI alpha 3 chain; minus strand). Cytogenetic location: 2q37.3.
Variant type: single nucleotide variant.
Coding change: c.5459T>C on transcript NM_004369.4 (MANE Select); coding-DNA position 5459, T replaced by C.
Protein change: p.Met1820Thr; replaces methionine 1820 with threonine.
Molecular consequence: missense variant.
Genome position (GRCh38, 1-based): chr2:237,366,728, A>G on the plus strand (T>C on the coding strand, the complement: COL6A3 is on the minus strand). VCF-style: chr2-237366728-A-G. GRCh37 (hg19) VCF-style: chr2-238275371-A-G.
Other names: c.3638T>C, p.Met1213Thr (NM_057166.5); c.4841T>C, p.Met1614Thr (NM_057167.4); short protein forms M1213T, M1614T, M1820T.
Identifiers: ClinVar variation 1945967 (VCV001945967.6), dbSNP rs1402296426, ClinGen allele CA351187315.

ClinVar aggregate classification (germline): Uncertain significance. Review status: criteria provided, multiple submitters, no conflicts (2 of 4 stars). 2 submissions from 2 submitters: Uncertain significance (2). Last evaluated 2025-08-06.

Conditions:
Bethlem myopathy 1A. Also called: MYOPATHY, BENIGN CONGENITAL, WITH CONTRACTURES; Bethlem myopathy 1; Bethlem Muscular Dystrophy. Identifiers: Orphanet 610, MedGen CN029274, MONDO:0024530, OMIM 158810.
Inborn genetic diseases. Identifiers: MedGen C0950123, MeSH D030342.

Allele frequency attached by ClinVar (database versions not stated): TOPMed below 0.00001.

Submissions (2):

Ambry Genetics
Classification: Uncertain significance for Inborn genetic diseases. Last evaluated: 2025-08-06. Review status: criteria provided, single submitter. Criteria: Ambry Variant Classification Scheme 2023. Collection method: clinical testing. Allele origin: germline.

Labcorp Genetics (formerly Invitae), Labcorp
Classification: Uncertain significance for Bethlem myopathy 1A. Last evaluated: 2022-09-27. Review status: criteria provided, single submitter. Criteria: Invitae Variant Classification Sherloc (09022015). Collection method: clinical testing. Allele origin: germline.
Comment: In summary, the available evidence is currently insufficient to determine the role of this variant in disease. Therefore, it has been classified as a Variant of Uncertain Significance. Advanced modeling of protein sequence and biophysical properties (such as structural, functional, and spatial information, amino acid conservation, physicochemical variation, residue mobility, and thermodynamic stability) performed at Invitae indicates that this missense variant is expected to disrupt COL6A3 protein function. This variant has not been reported in the literature in individuals affected with COL6A3-related conditions. This variant is present in population databases (no rsID available, gnomAD 0.003%). This sequence change replaces methionine, which is neutral and non-polar, with threonine, which is neutral and polar, at codon 1820 of the COL6A3 protein (p.Met1820Thr).